The following is an entry in ClinVar:

NM_015103.3(PLXND1):c.2467C>A (p.Pro823Thr)

Gene: PLXND1 (plexin D1; minus strand). Cytogenetic location: 3q22.1.
Variant type: single nucleotide variant.
Coding change: c.2467C>A on transcript NM_015103.3 (MANE Select); coding-DNA position 2467, C replaced by A.
Protein change: p.Pro823Thr; replaces proline 823 with threonine.
Molecular consequence: missense variant.
Genome position (GRCh38, 1-based): chr3:129,575,532, G>T on the plus strand (C>A on the coding strand, the complement: PLXND1 is on the minus strand). VCF-style: chr3-129575532-G-T. GRCh37 (hg19) VCF-style: chr3-129294375-G-T.
Other names: c.2467C>A (NM_015103.2); short protein forms P823T.
Identifiers: ClinVar variation 1709603 (VCV001709603.3), dbSNP rs770513748, ClinGen allele CA2609014.

ClinVar aggregate classification (germline): Uncertain significance. Review status: criteria provided, multiple submitters, no conflicts (2 of 4 stars). 2 submissions from 2 submitters: Uncertain significance (2). Last evaluated 2025-01-15.

Conditions:
Oromandibular-limb hypogenesis spectrum (MBS). Also called: Absence or underdevelopment of the 6th and 7th cranial nerves; Congenital facial diplegia syndrome; Congenital oculofacial paralysis; Möbius Syndrome; MOEBIUS SEQUENCE. Identifiers: Orphanet 570, MedGen C0221060, MONDO:0008006, OMIM 157900.

Allele frequency attached by ClinVar (database versions not stated): gnomAD 0.00001; gnomAD exomes 0.00001.
gnomAD v4.1: 5 of 1,557,434 alleles (0.00032%); highest among the groups gnomAD compares: Non-Finnish European, 0.00043%; no homozygotes.

Submissions (2):

Ambry Genetics
Classification: Uncertain significance. Last evaluated: 2025-01-15. Review status: criteria provided, single submitter. Criteria: Ambry Variant Classification Scheme 2023. Collection method: clinical testing. Allele origin: germline.

MGZ Medical Genetics Center
Classification: Uncertain significance for Oromandibular-limb hypogenesis spectrum. Last evaluated: 2022-07-19. Review status: criteria provided, single submitter. Criteria: ACMG Guidelines, 2015. Collection method: clinical testing. Allele origin: germline. Affected: yes. Observed: 1 variant allele.
Comment: ACMG criteria applied: PM2_SUP, PP2, BP4